The following is an entry in ClinVar:

ClinVar aggregate classification (germline): Likely benign (1 of 4 stars; one submission).

Allele frequency attached by ClinVar (database versions not stated): gnomAD exomes below 0.00001.
gnomAD v4.1: 3 of 1,600,738 alleles (0.00019%); highest among the groups gnomAD compares: South Asian, 0.0011%; no homozygotes.

Submission:

GeneDx
Classification: Likely benign. Last evaluated: 2015-10-09. Review status: criteria provided, single submitter. Criteria: GeneDx Variant Classification (06012015). Collection method: clinical testing. Allele origin: germline. Affected: yes.
Comment: This variant is considered likely benign or benign based on one or more of the following criteria: it is a conservative change, it occurs at a poorly conserved position in the protein, it is predicted to be benign by multiple in silico algorithms, and/or has population frequency not consistent with disease.

NM_001352514.2(HLCS):c.1437+17G>A

Gene: HLCS (holocarboxylase synthetase; minus strand). Cytogenetic location: 21q22.13.
Variant type: single nucleotide variant.
Coding change: c.1437+17G>A on transcript NM_001352514.2 (MANE Select); 17 bases into the intron after coding-DNA position 1437, G replaced by A.
Molecular consequence: intron variant.
Genome position (GRCh38, 1-based): chr21:36,936,432, C>T on the plus strand (G>A on the coding strand, the complement: HLCS is on the minus strand). VCF-style: chr21-36936432-C-T. GRCh37 (hg19) VCF-style: chr21-38308732-C-T.
Other names: c.996+17G>A (NM_001352517.1, NM_001242785.2, NM_001352515.2 and 4 more transcripts).
Identifiers: ClinVar variation 381094 (VCV000381094.1), dbSNP rs1057520955, ClinGen allele CA16609061.